The following is an entry in ClinVar:

ClinVar aggregate classification (germline): Uncertain significance. Review status: criteria provided, multiple submitters, no conflicts (2 of 4 stars). 4 submissions from 4 submitters: Uncertain significance (4). Last evaluated 2024-11-05.

Conditions:
Hereditary nonpolyposis colorectal neoplasms. Identifiers: MedGen C0009405, MeSH D003123.
Hereditary cancer-predisposing syndrome. Also called: Hereditary Cancer Syndrome; Hereditary neoplastic syndrome; Neoplastic Syndromes, Hereditary; Tumor predisposition. Identifiers: Orphanet 140162, MedGen C0027672, MeSH D009386, MONDO:0015356.
Lynch syndrome. Identifiers: Orphanet 144, MedGen C4552100, MONDO:0005835. Disease mechanism: loss of function.

gnomAD v4.1: 2 of 1,613,488 alleles (0.00012%); highest among the groups gnomAD compares: East Asian, 0.0045%; no homozygotes.

Submissions (4):

Labcorp Genetics (formerly Invitae), Labcorp
Classification: Uncertain significance for Hereditary nonpolyposis colorectal neoplasms. Last evaluated: 2024-11-05. Review status: criteria provided, single submitter. Criteria: Invitae Variant Classification Sherloc (09022015). Collection method: clinical testing. Allele origin: germline.
Comment: This sequence change replaces tyrosine, which is neutral and polar, with histidine, which is basic and polar, at codon 181 of the PMS2 protein (p.Tyr181His). This variant is not present in population databases (gnomAD no frequency). This variant has not been reported in the literature in individuals affected with PMS2-related conditions. ClinVar contains an entry for this variant (Variation ID: 216459). Invitae Evidence Modeling incorporating data from in vitro experimental studies (internal data) indicates that this missense variant is not expected to disrupt PMS2 function with a negative predictive value of 95%. In summary, the available evidence is currently insufficient to determine the role of this variant in disease. Therefore, it has been classified as a Variant of Uncertain Significance.

Color Diagnostics, LLC DBA Color Health
Classification: Uncertain significance for Hereditary cancer-predisposing syndrome. Last evaluated: 2024-06-13. Review status: criteria provided, single submitter. Criteria: ACMG Guidelines, 2015. Collection method: clinical testing. Allele origin: germline.
Comment: This missense variant replaces tyrosine with histidine at codon 181 of the PMS2 protein. Computational prediction is inconclusive regarding the impact of this variant on protein structure and function (internally defined REVEL score threshold 0.5 < inconclusive < 0.7, PMID: 27666373). To our knowledge, functional studies have not been reported for this variant. This variant has not been reported in individuals affected with PMS2-related disorders in the literature. This variant has not been identified in the general population by the Genome Aggregation Database (gnomAD). The available evidence is insufficient to determine the role of this variant in disease conclusively. Therefore, this variant is classified as a Variant of Uncertain Significance.

All of Us Research Program, National Institutes of Health
Classification: Uncertain significance for Lynch syndrome. Last evaluated: 2023-02-10. Review status: criteria provided, single submitter. Criteria: ACMG Guidelines, 2015. Collection method: clinical testing. Allele origin: germline. Inheritance: Autosomal dominant inheritance. Observed: 1 variant allele, 1 heterozygote.
Comment: This study involves interpretation of variants in research participants for the purpose of population health screening. Participant phenotype was not available at the time of variant classification. Additional details can be found in publication PMID: 35346344, PMCID: PMC8962531

Ambry Genetics
Classification: Uncertain significance for Hereditary cancer-predisposing syndrome. Last evaluated: 2022-05-23. Review status: criteria provided, single submitter. Criteria: Ambry Variant Classification Scheme 2023. Collection method: clinical testing. Allele origin: germline.
Comment: The p.Y181H variant (also known as c.541T>C), located in coding exon 6 of the PMS2 gene, results from a T to C substitution at nucleotide position 541. The tyrosine at codon 181 is replaced by histidine, an amino acid with similar properties. This amino acid position is not well conserved in available vertebrate species. In addition, the in silico prediction for this alteration is inconclusive. Since supporting evidence is limited at this time, the clinical significance of this alteration remains unclear.

NM_000535.7(PMS2):c.541T>C (p.Tyr181His)

Gene: PMS2 (PMS1 homolog 2, mismatch repair system component; minus strand). Cytogenetic location: 7p22.1.
Variant type: single nucleotide variant.
Coding change: c.541T>C on transcript NM_000535.7 (MANE Select); coding-DNA position 541, T replaced by C.
Protein change: p.Tyr181His; replaces tyrosine 181 with histidine.
Molecular consequence: missense variant. On other transcripts: non-coding transcript variant (1), intron variant (3).
Genome position (GRCh38, 1-based): chr7:5,999,272, A>G on the plus strand (T>C on the coding strand, the complement: PMS2 is on the minus strand). VCF-style: chr7-5999272-A-G. GRCh37 (hg19) VCF-style: chr7-6038903-A-G.
Other names: c.136T>C, p.Tyr46His (NM_001322003.2, NM_001322004.2, NM_001322005.2 and 2 more transcripts); c.541T>C, p.Tyr181His (NM_001322006.2, NM_001322014.2); c.223T>C, p.Tyr75His (NM_001322007.2, NM_001322008.2); c.232T>C, p.Tyr78His (NM_001322015.2); c.133-1849T>C (NM_001322013.2); c.-347-46T>C (NM_001322012.2, NM_001322011.2); short protein forms Y181H, Y75H, Y46H, Y78H.
Identifiers: ClinVar variation 216459 (VCV000216459.18), dbSNP rs863224680, ClinGen allele CA338850.
Genomic context (GRCh38, chr7:5,999,272, plus strand): 5'-TTACACGGATGCCTGCTGAAATGATACAGTATGCATGTAAGACCTGGACCATTTTGGCAT[A>G]CTCCTGTTTAAAAAACACAAACACAATATTCTACATTACTTTAATATTATAGGAATTACA-3'
Protein context (NP_000526.2, residues 171-191): KEFQRNIKKE[Tyr181His]AKMVQVLHAY